The following is an entry in ClinVar:

ClinVar aggregate classification (germline): Benign. Review status: criteria provided, multiple submitters, no conflicts (2 of 4 stars). 8 submissions from 8 submitters: Benign (8). Last evaluated 2026-06-02.

Conditions:
Ellis-van Creveld syndrome (EVC). Also called: Chondroectodermal dysplasia; MESOECTODERMAL DYSPLASIA. Identifiers: Orphanet 289, MedGen C0013903, MONDO:0009162, OMIM 225500.
Curry-Hall syndrome (WAD). Also called: WEYERS ACRODENTAL DYSOSTOSIS. Identifiers: Orphanet 952, MedGen C0457013, MONDO:0008673, OMIM 193530.

Allele frequency attached by ClinVar (database versions not stated): gnomAD exomes 0.12774 and 0.15177; ExAC 0.16510; gnomAD 0.17742 and 0.17921; TOPMed 0.18748; 1000 Genomes Project 30x 0.21455; 1000 Genomes Project 0.21865.
gnomAD v4.1: 200,313 of 1,505,760 alleles (13%); highest among the groups gnomAD compares: African/African-American, 31%; 15,591 homozygotes.

Submissions (8):

Women's Health and Genetics/Laboratory Corporation of America, LabCorp
Classification: Benign. Last evaluated: 2026-06-02. Review status: criteria provided, single submitter. Criteria: LabCorp Variant Classification Summary - May 2015. Collection method: clinical testing. Allele origin: germline.
Comment: Variant summary: EVC2 c.52C>T (p.Leu18Phe) results in a non-conservative amino acid change in the encoded protein sequence. Algorithms developed to predict the effect of missense changes on protein structure and function are either unavailable or do not agree on the potential impact of this missense change. The variant allele was found at a frequency of 0.15 in 100284 control chromosomes in the gnomAD database, including 1345 homozygotes. The observed variant frequency exceeds the estimated maximal expected allele frequency for disease-causing variants in EVC2. To our knowledge, no occurrence of c.52C>T in individuals affected with EVC2-related conditions and no experimental evidence demonstrating its impact on protein function have been reported. ClinVar contains an entry for this variant (Variation ID: 262618). Based on the evidence outlined above, the variant was classified as benign.

Labcorp Genetics (formerly Invitae), Labcorp
Classification: Benign for Curry-Hall syndrome; Ellis-van Creveld syndrome. Last evaluated: 2026-02-04. Review status: criteria provided, single submitter. Criteria: Invitae Variant Classification Sherloc (09022015). Collection method: clinical testing. Allele origin: germline.

ARUP Laboratories, Molecular Genetics and Genomics, ARUP Laboratories
Classification: Benign. Last evaluated: 2025-06-24. Review status: criteria provided, single submitter. Criteria: ARUP Molecular Germline Variant Investigation Process 2024. Collection method: clinical testing. Allele origin: germline.

Blueprint Genetics
Classification: Benign. Last evaluated: 2024-11-26. Review status: criteria provided, single submitter. Criteria: ACMG Guidelines, 2015. Collection method: clinical testing. Allele origin: germline.

GeneDx
Classification: Benign. Last evaluated: 2016-04-08. Review status: criteria provided, single submitter. Criteria: GeneDx Variant Classification (06012015). Collection method: clinical testing. Allele origin: germline. Affected: yes.
Comment: This variant is considered likely benign or benign based on one or more of the following criteria: it is a conservative change, it occurs at a poorly conserved position in the protein, it is predicted to be benign by multiple in silico algorithms, and/or has population frequency not consistent with disease.

Eurofins Ntd Llc (ga)
Classification: Benign. Last evaluated: 2015-12-14. Review status: criteria provided, single submitter. Criteria: EGL Classification Definitions 2015. Collection method: clinical testing. Allele origin: germline. Observed: 28 variant alleles, 27 heterozygotes, 1 homozygote.

Breakthrough Genomics
Classification: Benign. Review status: criteria provided, single submitter. Criteria: ACMG Guidelines, 2015. Collection method: not provided. Allele origin: germline. Inheritance: Autosomal recessive inheritance. Affected: yes.

PreventionGenetics, part of Exact Sciences
Classification: Benign. Review status: criteria provided, single submitter. Criteria: ACMG Guidelines, 2015. Collection method: clinical testing. Allele origin: germline.

NM_147127.5(EVC2):c.52C>T (p.Leu18Phe)

Gene: EVC2 (EvC ciliary complex subunit 2; minus strand). Cytogenetic location: 4p16.2.
Variant type: single nucleotide variant.
Coding change: c.52C>T on transcript NM_147127.5 (MANE Select); coding-DNA position 52, C replaced by T.
Protein change: p.Leu18Phe; replaces leucine 18 with phenylalanine.
Molecular consequence: missense variant. On other transcripts: intron variant (1).
Genome position (GRCh38, 1-based): chr4:5,708,462, G>A on the plus strand (C>T on the coding strand, the complement: EVC2 is on the minus strand). VCF-style: chr4-5708462-G-A. GRCh37 (hg19) VCF-style: chr4-5710189-G-A.
Other names: c.-13+367C>T (NM_001166136.2); short protein forms L18F.
Identifiers: ClinVar variation 262618 (VCV000262618.35), dbSNP rs6820907, ClinGen allele CA2835559.